The following is an entry in ClinVar:

ClinVar aggregate classification (germline): Pathogenic (1 of 4 stars; one submission).

Conditions:
Familial adenomatous polyposis 1 (FAP1). Also called: POLYPOSIS, ADENOMATOUS INTESTINAL; FAMILIAL ADENOMATOUS POLYPOSIS 1, ATTENUATED. Identifiers: MedGen C2713442, MONDO:0021056, OMIM 175100. Disease mechanism: loss of function.

Submission:

Labcorp Genetics (formerly Invitae), Labcorp
Classification: Pathogenic for Familial adenomatous polyposis 1. Last evaluated: 2021-06-04. Review status: criteria provided, single submitter. Criteria: Invitae Variant Classification Sherloc (09022015). Collection method: clinical testing. Allele origin: germline.
Comment: A different truncation (p.Tyr2645Lysfs*14) that lies downstream of this variant has been determined to be pathogenic (PMID: 9824584, 1316610, 27081525, 8381579, 22135120, Invitae). This suggests that deletion of this region of the APC protein is causative of disease. For these reasons, this variant has been classified as Pathogenic. This variant is expected to disrupt the EB1 and HDLG binding sites, which mediate interactions with the cytoskeleton (PMID: 15311282, 17293347). While functional studies have not been performed to directly test the effect on APC protein function, this suggests that disruption of the C-terminal portion of the protein is functionally important. This variant has been observed in individual(s) with familial adenomatous polyposis (PMID: 11247896, 20685668). ClinVar contains an entry for this variant (Variation ID: 469783). This variant is not present in population databases (ExAC no frequency). This sequence change creates a premature translational stop signal (p.Tyr997*) in the APC gene. While this is not anticipated to result in nonsense mediated decay, it is expected to disrupt the last 1847 amino acid(s) of the APC protein.

Literature cited by the submitters: PubMed 9824584; PubMed 1316610; PubMed 27081525; PubMed 8381579; PubMed 22135120; PubMed 15311282; PubMed 17293347; PubMed 11247896; PubMed 20685668.

NM_000038.6(APC):c.2991T>G (p.Tyr997Ter)

Gene: APC (APC regulator of Wnt signaling pathway; plus strand). Cytogenetic location: 5q22.2.
Variant type: single nucleotide variant.
Coding change: c.2991T>G on transcript NM_000038.6 (MANE Select); coding-DNA position 2991, T replaced by G.
Protein change: p.Tyr997Ter; replaces tyrosine 997 with a stop codon.
Molecular consequence: nonsense.
Genome position (GRCh38, 1-based): chr5:112,838,585, T>G. VCF-style: chr5-112838585-T-G. GRCh37 (hg19) VCF-style: chr5-112174282-T-G.
Other names: c.2991T>G, p.Tyr997Ter (NM_001127510.3, NM_001354895.2); c.2937T>G, p.Tyr979Ter (NM_001127511.3); c.3045T>G, p.Tyr1015Ter (NM_001354896.2); c.3021T>G, p.Tyr1007Ter (NM_001354897.2); c.2916T>G, p.Tyr972Ter (NM_001354898.2); c.2907T>G, p.Tyr969Ter (NM_001354899.2); c.2868T>G, p.Tyr956Ter (NM_001354900.2); c.2814T>G, p.Tyr938Ter (NM_001354901.2); and 5 more; short protein forms Y979*, Y997*, Y871*, Y896*, Y906*, Y956*, Y1015*, Y714*.
Identifiers: ClinVar variation 469783 (VCV000469783.10), dbSNP rs864622629, ClinGen allele CA16027877.
Genomic context (GRCh38, chr5:112,838,585, plus strand): 5'-TCAAATGAAACCCTCGATTGAATCCTATTCTGAAGATGATGAAAGTAAGTTTTGCAGTTA[T>G]GGTCAATACCCAGCCGACCTAGCCCATAAAATACATAGTGCAAATCATATGGATGATAAT-3'